The following is an entry in ClinVar:

NM_001267550.2(TTN):c.1A>G (p.Met1Val)

Gene: TTN (titin; minus strand). Cytogenetic location: 2q31.2.
Variant type: single nucleotide variant.
Coding change: c.1A>G on transcript NM_001267550.2 (MANE Select); coding-DNA position 1, A replaced by G.
Protein change: p.Met1Val; changes the start codon (methionine 1).
Molecular consequence: missense variant, initiator codon variant.
Genome position (GRCh38, 1-based): chr2:178,804,642, T>C on the plus strand (A>G on the coding strand, the complement: TTN is on the minus strand). VCF-style: chr2-178804642-T-C. GRCh37 (hg19) VCF-style: chr2-179669369-T-C.
Other names: c.1A>G, p.Met1Val (NM_001256850.1, NM_003319.4, NM_133378.4 and 3 more transcripts); short protein forms M1V.
Identifiers: ClinVar variation 4527477 (VCV004527477.1).
Genomic context (GRCh38, chr2:178,804,642, plus strand): 5'-TACCCTCCAGTACCACAACGCTTTGTAACGGCTGCGTAAACGTCGGTGCTTGAGTTGTCA[T>C]CTTTCTAGGCACTCTGAAAAAGAAGAGAAAATAAATTAGGGTGTCCCAGCTAAGGGTCAC-3'
Protein context (NP_001254479.2, residues 1-11): [Met1Val]TTQAPTFTQP

ClinVar aggregate classification (germline): Uncertain significance (1 of 4 stars; one submission).

Submission:

GeneDx
Classification: Uncertain significance. Last evaluated: 2025-04-24. Review status: criteria provided, single submitter. Criteria: GeneDx Variant Classification Process June 2021. Collection method: clinical testing. Allele origin: germline. Affected: yes.
Comment: Not observed at significant frequency in large population cohorts (gnomAD); Initiation codon variant in a gene or region of a gene for which loss of function is not a well-established mechanism of disease; Has not been previously published as pathogenic or benign to our knowledge